The following is an entry in ClinVar:

NM_000685.5(AGTR1):c.622T>C (p.Phe208Leu)

Gene: AGTR1 (angiotensin II receptor type 1; plus strand). Cytogenetic location: 3q24.
Variant type: single nucleotide variant.
Coding change: c.622T>C on transcript NM_000685.5 (MANE Select); coding-DNA position 622, T replaced by C.
Protein change: p.Phe208Leu; replaces phenylalanine 208 with leucine.
Molecular consequence: missense variant.
Genome position (GRCh38, 1-based): chr3:148,741,657, T>C. VCF-style: chr3-148741657-T-C. GRCh37 (hg19) VCF-style: chr3-148459444-T-C.
Other names: c.622T>C, p.Phe208Leu (NM_001382736.1, NM_001382737.1, NM_004835.5 and 3 more transcripts); short protein forms F208L.
Identifiers: ClinVar variation 2635899 (VCV002635899.1), dbSNP rs777986489, ClinGen allele CA2657359.

ClinVar aggregate classification (germline): Uncertain significance (1 of 4 stars; one submission).

Conditions:
AGTR1-related disorder. Also called: AGTR1-related condition.

Allele frequency attached by ClinVar (database versions not stated): gnomAD exomes 0.00001; ExAC 0.00003; gnomAD 0.00003.
gnomAD v4.1: 25 of 1,614,022 alleles (0.0015%); highest among the groups gnomAD compares: South Asian, 0.027%; no homozygotes.

Submission:

PreventionGenetics, part of Exact Sciences
Classification: Uncertain significance for AGTR1-related condition. Last evaluated: 2023-08-15. Review status: criteria provided, single submitter. Criteria: ACMG Guidelines, 2015. Collection method: clinical testing. Allele origin: germline.
Comment: The AGTR1 c.622T>C variant is predicted to result in the amino acid substitution p.Phe208Leu. To our knowledge, this variant has not been reported in the literature. This variant is reported in 0.026% of alleles in individuals of South Asian descent in gnomAD. At this time, the clinical significance of this variant is uncertain due to the absence of conclusive functional and genetic evidence.